The following is an entry in ClinVar:

ClinVar aggregate classification (germline): Uncertain significance (1 of 4 stars; one submission).

Conditions:
Rubinstein-Taybi syndrome (RSTS). Identifiers: Orphanet 783, MedGen C0035934, MONDO:0019188.

Submission:

Labcorp Genetics (formerly Invitae), Labcorp
Classification: Uncertain significance for Rubinstein-Taybi syndrome. Last evaluated: 2023-11-08. Review status: criteria provided, single submitter. Criteria: Invitae Variant Classification Sherloc (09022015). Collection method: clinical testing. Allele origin: germline.
Comment: This sequence change replaces alanine, which is neutral and non-polar, with glycine, which is neutral and non-polar, at codon 167 of the CREBBP protein (p.Ala167Gly). This variant is present in population databases (no rsID available, gnomAD 0.0009%). This variant has not been reported in the literature in individuals affected with CREBBP-related conditions. Advanced modeling of protein sequence and biophysical properties (such as structural, functional, and spatial information, amino acid conservation, physicochemical variation, residue mobility, and thermodynamic stability) has been performed at Invitae for this missense variant, however the output from this modeling did not meet the statistical confidence thresholds required to predict the impact of this variant on CREBBP protein function. In summary, the available evidence is currently insufficient to determine the role of this variant in disease. Therefore, it has been classified as a Variant of Uncertain Significance.

NM_004380.3(CREBBP):c.500C>G (p.Ala167Gly)

Gene: CREBBP (CREB binding lysine acetyltransferase; minus strand). Cytogenetic location: 16p13.3.
Variant type: single nucleotide variant.
Coding change: c.500C>G on transcript NM_004380.3 (MANE Select); coding-DNA position 500, C replaced by G.
Protein change: p.Ala167Gly; replaces alanine 167 with glycine.
Molecular consequence: missense variant.
Genome position (GRCh38, 1-based): chr16:3,850,595, G>C on the plus strand (C>G on the coding strand, the complement: CREBBP is on the minus strand). VCF-style: chr16-3850595-G-C. GRCh37 (hg19) VCF-style: chr16-3900596-G-C.
Other names: c.500C>G, p.Ala167Gly (NM_001079846.1); short protein forms A167G.
Identifiers: ClinVar variation 2789864 (VCV002789864.3), dbSNP rs944810089, ClinGen allele CA394560845.